The following is an entry in ClinVar:

ClinVar aggregate classification (germline): Uncertain significance (1 of 4 stars; one submission).

Allele frequency attached by ClinVar (database versions not stated): gnomAD exomes 0.00001; TOPMed 0.00002; ExAC 0.00003.
gnomAD v4.1: 6 of 1,602,530 alleles (0.00037%); highest among the groups gnomAD compares: Admixed American, 0.01%; no homozygotes.

Submission:

Labcorp Genetics (formerly Invitae), Labcorp
Classification: Uncertain significance. Last evaluated: 2024-02-24. Review status: criteria provided, single submitter. Criteria: Invitae Variant Classification Sherloc (09022015). Collection method: clinical testing. Allele origin: germline.
Comment: This sequence change replaces arginine, which is basic and polar, with threonine, which is neutral and polar, at codon 4561 of the HERC1 protein (p.Arg4561Thr). This variant is present in population databases (rs749753041, gnomAD 0.02%). This variant has not been reported in the literature in individuals affected with HERC1-related conditions. ClinVar contains an entry for this variant (Variation ID: 2037475). Advanced modeling of protein sequence and biophysical properties (such as structural, functional, and spatial information, amino acid conservation, physicochemical variation, residue mobility, and thermodynamic stability) has been performed at Invitae for this missense variant, however the output from this modeling did not meet the statistical confidence thresholds required to predict the impact of this variant on HERC1 protein function. In summary, the available evidence is currently insufficient to determine the role of this variant in disease. Therefore, it has been classified as a Variant of Uncertain Significance.

NM_003922.4(HERC1):c.13682G>C (p.Arg4561Thr)

Gene: HERC1 (HECT and RLD domain containing E3 ubiquitin protein ligase family member 1; minus strand). Cytogenetic location: 15q22.31.
Variant type: single nucleotide variant.
Coding change: c.13682G>C on transcript NM_003922.4 (MANE Select); coding-DNA position 13682, G replaced by C.
Protein change: p.Arg4561Thr; replaces arginine 4561 with threonine.
Molecular consequence: missense variant.
Genome position (GRCh38, 1-based): chr15:63,622,821, C>G on the plus strand (G>C on the coding strand, the complement: HERC1 is on the minus strand). VCF-style: chr15-63622821-C-G. GRCh37 (hg19) VCF-style: chr15-63915020-C-G.
Other names: short protein forms R4561T.
Identifiers: ClinVar variation 2037475 (VCV002037475.4), dbSNP rs749753041, ClinGen allele CA7603678.
Genomic context (GRCh38, chr15:63,622,821, plus strand): 5'-GTGAGCTATTATTATTATTTTAGACATATAATGAACACTTGCTGACTGCCATACCTGTCC[C>G]TATTGTAACCCACTTCTGCGGTGGCATTGGGAGAGGGTATAAGAAGGTCAACAATACCAG-3'
Protein context (NP_003913.3, residues 4551-4571): PNATAEVGYN[Arg4561Thr]DRFLFNPSAC